The following is an entry in ClinVar:

NM_001298.3(CNGA3):c.1520A>G (p.Asp507Gly)

Gene: CNGA3 (cyclic nucleotide gated channel subunit alpha 3; plus strand). Cytogenetic location: 2q11.2.
Variant type: single nucleotide variant.
Coding change: c.1520A>G on transcript NM_001298.3 (MANE Select); coding-DNA position 1520, A replaced by G.
Protein change: p.Asp507Gly; replaces aspartic acid 507 with glycine.
Molecular consequence: missense variant.
Genome position (GRCh38, 1-based): chr2:98,396,690, A>G. VCF-style: chr2-98396690-A-G. GRCh37 (hg19) VCF-style: chr2-99013153-A-G.
Other names: c.1466A>G, p.Asp489Gly (NM_001079878.2); short protein forms D489G, D507G.
Identifiers: ClinVar variation 959907 (VCV000959907.14), dbSNP rs778000601, ClinGen allele CA1794025.

ClinVar aggregate classification (germline): Conflicting classifications of pathogenicity. Review status: criteria provided, conflicting classifications (1 of 4 stars). 4 submissions from 4 submitters: Likely pathogenic (3); Uncertain significance (1). Last evaluated 2024-01-19.

Conditions:
Cone dystrophy. Identifiers: Orphanet 1871, MedGen C0730290, MONDO:0000455.
CNGA3-related disorders.

Allele frequency attached by ClinVar (database versions not stated): TOPMed 0.00001.
gnomAD v4.1: 58 of 1,613,978 alleles (0.0036%); highest among the groups gnomAD compares: Non-Finnish European, 0.0049%; no homozygotes.

Submissions (4):

GeneDx
Classification: Likely pathogenic. Last evaluated: 2024-01-19. Review status: criteria provided, single submitter. Criteria: GeneDx Variant Classification Process June 2021. Collection method: clinical testing. Allele origin: germline. Affected: yes.
Comment: Listed in a publication as a CNGA3 variant previously reported in the LOVD database; additional information was not provided (PMID: 35332618); In silico analysis, which includes protein predictors and evolutionary conservation, supports a deleterious effect; This variant is associated with the following publications: (PMID: 35332618)

Blueprint Genetics
Classification: Likely pathogenic for CNGA3-related disorders. Last evaluated: 2023-11-24. Review status: criteria provided, single submitter. Criteria: ACMG Guidelines, 2015. Collection method: clinical testing. Allele origin: germline. Affected: yes. Observed: 5 variant alleles.

Labcorp Genetics (formerly Invitae), Labcorp
Classification: Uncertain significance. Last evaluated: 2022-10-10. Review status: criteria provided, single submitter. Criteria: Invitae Variant Classification Sherloc (09022015). Collection method: clinical testing. Allele origin: germline.
Comment: In summary, the available evidence is currently insufficient to determine the role of this variant in disease. Therefore, it has been classified as a Variant of Uncertain Significance. Advanced modeling of protein sequence and biophysical properties (such as structural, functional, and spatial information, amino acid conservation, physicochemical variation, residue mobility, and thermodynamic stability) performed at Invitae indicates that this missense variant is expected to disrupt CNGA3 protein function. ClinVar contains an entry for this variant (Variation ID: 959907). This missense change has been observed in individual(s) with achromatopsia (Invitae). This variant is present in population databases (rs778000601, gnomAD 0.004%). This sequence change replaces aspartic acid, which is acidic and polar, with glycine, which is neutral and non-polar, at codon 507 of the CNGA3 protein (p.Asp507Gly).

DBGen Ocular Genomics
Classification: Likely pathogenic for Cone dystrophy. Last evaluated: 2021-06-04. Review status: criteria provided, single submitter. Criteria: ACMG Guidelines, 2015. Collection method: clinical testing. Allele origin: germline. Affected: yes. Observed: 1 variant allele.